The following is an entry in ClinVar:

NM_001282225.2(ADA2):c.973G>A (p.Val325Met)

Gene: ADA2 (adenosine deaminase 2; minus strand). Cytogenetic location: 22q11.1.
Variant type: single nucleotide variant.
Coding change: c.973G>A on transcript NM_001282225.2 (MANE Select); coding-DNA position 973, G replaced by A.
Protein change: p.Val325Met; replaces valine 325 with methionine.
Molecular consequence: missense variant.
Genome position (GRCh38, 1-based): chr22:17,188,447, C>T on the plus strand (G>A on the coding strand, the complement: ADA2 is on the minus strand). VCF-style: chr22-17188447-C-T. GRCh37 (hg19) VCF-style: chr22-17669337-C-T.
Other names: c.973G>A, p.Val325Met (NM_001282226.2); c.847G>A, p.Val283Met (NM_001282227.2, NM_001282228.2); c.613G>A, p.Val205Met (NM_001282229.2); c.250G>A, p.Val84Met (NM_177405.3); short protein forms V84M, V283M, V325M, V205M.
Identifiers: ClinVar variation 2886852 (VCV002886852.3), dbSNP rs374130382, ClinGen allele CA10088010.

ClinVar aggregate classification (germline): Uncertain significance (1 of 4 stars; one submission).

Conditions:
Deficiency of adenosine deaminase 2. Also called: Polyarteritis nodosa, childhoood-onset; Adenosine Deaminase 2 Deficiency; VASCULITIS, AUTOINFLAMMATION, IMMUNODEFICIENCY, AND HEMATOLOGIC DEFECTS SYNDROME. Identifiers: Orphanet 404553, MedGen C3887654, MONDO:0014306, OMIM 615688, MONDO:0100317.

Allele frequency attached by ClinVar (database versions not stated): gnomAD exomes below 0.00001; ExAC 0.00001; gnomAD 0.00001; TOPMed 0.00001; ESP Exome Variant Server 0.00008.
gnomAD v4.1: 6 of 1,606,638 alleles (0.00037%); highest among the groups gnomAD compares: African/African-American, 0.0013%; no homozygotes.

Submission:

Labcorp Genetics (formerly Invitae), Labcorp
Classification: Uncertain significance for Deficiency of adenosine deaminase 2. Last evaluated: 2023-04-28. Review status: criteria provided, single submitter. Criteria: Invitae Variant Classification Sherloc (09022015). Collection method: clinical testing. Allele origin: germline.
Comment: In summary, the available evidence is currently insufficient to determine the role of this variant in disease. Therefore, it has been classified as a Variant of Uncertain Significance. An algorithm developed to predict the effect of missense changes on protein structure and function (PolyPhen-2) suggests that this variant is likely to be disruptive. This variant has not been reported in the literature in individuals affected with ADA2-related conditions. This variant is present in population databases (rs374130382, gnomAD 0.002%). This sequence change replaces valine, which is neutral and non-polar, with methionine, which is neutral and non-polar, at codon 325 of the ADA2 protein (p.Val325Met).